The following is an entry in ClinVar:

ClinVar aggregate classification (germline): Uncertain significance (1 of 4 stars; one submission).

Allele frequency attached by ClinVar (database versions not stated): ExAC 0.00001.

Submission:

Labcorp Genetics (formerly Invitae), Labcorp
Classification: Uncertain significance. Last evaluated: 2023-03-19. Review status: criteria provided, single submitter. Criteria: Invitae Variant Classification Sherloc (09022015). Collection method: clinical testing. Allele origin: germline.
Comment: In summary, the available evidence is currently insufficient to determine the role of this variant in disease. Therefore, it has been classified as a Variant of Uncertain Significance. An algorithm developed to predict the effect of missense changes on protein structure and function (PolyPhen-2) suggests that this variant is likely to be disruptive. This variant has not been reported in the literature in individuals affected with ATP5E-related conditions. This variant is present in population databases (rs776918832, gnomAD 0.003%). This sequence change replaces serine, which is neutral and polar, with cysteine, which is neutral and slightly polar, at codon 39 of the ATP5E protein (p.Ser39Cys).

NM_006886.4(ATP5F1E):c.116C>G (p.Ser39Cys)

Genes: ATP5F1E (ATP synthase F1 subunit epsilon; minus strand), SLMO2-ATP5E (SLMO2-ATP5E readthrough; minus strand). Cytogenetic location: 20q13.32.
Variant type: single nucleotide variant.
Coding change: c.116C>G on transcript NM_006886.4 (MANE Select); coding-DNA position 116, C replaced by G.
Protein change: p.Ser39Cys; replaces serine 39 with cysteine.
Molecular consequence: missense variant. On other transcripts: non-coding transcript variant (2).
Genome position (GRCh38, 1-based): chr20:59,030,346, G>C on the plus strand (C>G on the coding strand, the complement: ATP5F1E is on the minus strand). VCF-style: chr20-59030346-G-C. GRCh37 (hg19) VCF-style: chr20-57605401-G-C.
Other names: c.116C>G, p.Ser39Cys (NM_001001977.1); short protein forms S39C.
Identifiers: ClinVar variation 2847490 (VCV002847490.3), dbSNP rs776918832, ClinGen allele CA9928735.